The following is an entry in ClinVar:

ClinVar aggregate classification (germline): Uncertain significance. Review status: criteria provided, multiple submitters, no conflicts (2 of 4 stars). 2 submissions from 2 submitters: Uncertain significance (2). Last evaluated 2022-11-01.

Allele frequency attached by ClinVar (database versions not stated): gnomAD exomes 0.00001 and below 0.00001; TOPMed 0.00001; ExAC 0.00002.
gnomAD v4.1: 1 of 1,613,574 alleles (0.000062%); highest among the groups gnomAD compares: Non-Finnish European, 0.000085%; no homozygotes.

Submissions (2):

Labcorp Genetics (formerly Invitae), Labcorp
Classification: Uncertain significance. Last evaluated: 2022-11-01. Review status: criteria provided, single submitter. Criteria: Invitae Variant Classification Sherloc (09022015). Collection method: clinical testing. Allele origin: germline.
Comment: This sequence change replaces proline, which is neutral and non-polar, with leucine, which is neutral and non-polar, at codon 187 of the COL18A1 protein (p.Pro187Leu). This variant is present in population databases (rs768416568, gnomAD 0.01%). This variant has not been reported in the literature in individuals affected with COL18A1-related conditions. ClinVar contains an entry for this variant (Variation ID: 1472022). Experimental studies and prediction algorithms are not available or were not evaluated, and the functional significance of this variant is currently unknown. In summary, the available evidence is currently insufficient to determine the role of this variant in disease. Therefore, it has been classified as a Variant of Uncertain Significance.

Blueprint Genetics
Classification: Uncertain significance. Last evaluated: 2018-03-01. Review status: criteria provided, single submitter. Criteria: ACMG Guidelines, 2015. Collection method: clinical testing. Allele origin: germline.

NM_001379500.1(COL18A1):c.560C>T (p.Pro187Leu)

Gene: COL18A1 (collagen type XVIII alpha 1 chain; plus strand). Cytogenetic location: 21q22.3.
Variant type: single nucleotide variant.
Coding change: c.560C>T on transcript NM_001379500.1 (MANE Select); coding-DNA position 560, C replaced by T.
Protein change: p.Pro187Leu; replaces proline 187 with leucine.
Molecular consequence: missense variant.
Genome position (GRCh38, 1-based): chr21:45,468,695, C>T. VCF-style: chr21-45468695-C-T. GRCh37 (hg19) VCF-style: chr21-46888609-C-T.
Other names: c.1100C>T, p.Pro367Leu (NM_030582.4); c.1805C>T, p.Pro602Leu (NM_130444.3); short protein forms P367L, P187L, P602L.
Identifiers: ClinVar variation 1472022 (VCV001472022.6), dbSNP rs768416568, ClinGen allele CA10065780.